The following is an entry in ClinVar:

NM_001172509.2(SATB2):c.1135del (p.Gln379fs)

Gene: SATB2 (SATB homeobox 2; minus strand). Cytogenetic location: 2q33.1.
Variant type: Deletion.
Coding change: c.1135del on transcript NM_001172509.2 (MANE Select); coding-DNA position 1135, one base deleted (C; older notation c.1135delC).
Protein change: p.Gln379fs; shifts the reading frame from glutamine 379.
Molecular consequence: frameshift variant.
Genome position (GRCh38, 1-based): chr2:199,348,739, G deleted on the plus strand (C on the coding strand, the reverse complement: SATB2 is on the minus strand); the first of 3 consecutive G bases (chr2:199,348,739-199,348,741); deleting any one gives the same sequence. VCF-style (leftmost placement, unchanged base first): chr2-199348738-TG-T. GRCh37 (hg19) VCF-style: chr2-200213461-TG-T.
Other names: c.1135del, p.Gln379fs (NM_001172517.1, NM_015265.4); short protein forms Q379fs.
Identifiers: ClinVar variation 3064231 (VCV003064231.2).

ClinVar aggregate classification (germline): Pathogenic (1 of 4 stars; one submission).

Conditions:
Chromosome 2q32-q33 deletion syndrome (GLASS). Also called: 2q33.1 deletion syndrome; Glass syndrome. Identifiers: Orphanet 251019, MedGen C2676739, MONDO:0012864, OMIM 612313.

Submission:

Department of Medical Genetics, National Institute of Health
Classification: Pathogenic for Chromosome 2q32-q33 deletion syndrome. Last evaluated: 2024-03-27. Review status: criteria provided, single submitter. Criteria: ACMG Guidelines, 2015. Collection method: clinical testing. Allele origin: de novo. Inheritance: Autosomal dominant inheritance. Affected: yes. Observed: 1 hemizygote.
Comment: Segregation analysis revealed this variant is de novo. It's classified as Pathogenic according to ACMG guidelines.